The following is an entry in ClinVar:

ClinVar aggregate classification (germline): Likely pathogenic (1 of 4 stars; one submission).

Conditions:
LHCGR-related disorder. Also called: LHCGR-related condition.

Allele frequency attached by ClinVar (database versions not stated): gnomAD exomes below 0.00001; ExAC 0.00009.
gnomAD v4.1: 4 of 1,534,782 alleles (0.00026%); highest among the groups gnomAD compares: South Asian, 0.0012%; no homozygotes.

Submission:

PreventionGenetics, part of Exact Sciences
Classification: Likely pathogenic for LHCGR-related condition. Last evaluated: 2023-05-04. Review status: criteria provided, single submitter. Criteria: ACMG Guidelines, 2015. Collection method: clinical testing. Allele origin: germline.
Comment: The LHCGR c.32T>C variant is predicted to result in the amino acid substitution p.Leu11Pro. This variant has been reported in the homozygous state in two female siblings with empty follicle syndrome and has segregated with disease in this family (Zhang et al 2020. PubMed ID: 32860205). Functional studies showed that this variant has decreased expression and abnormal LHCGR glycosylation, and also causes ectopic subcellular localization and impaired cAMP levels (Zhang et al 2020. PubMed ID: 32860205). This variant is reported in 0.012% of alleles in individuals of Ashkenazi Jewish descent in gnomAD. This variant is interpreted as likely pathogenic.

NM_000233.4(LHCGR):c.32T>C (p.Leu11Pro)

Genes: LHCGR (luteinizing hormone/choriogonadotropin receptor; minus strand), STON1-GTF2A1L (STON1-GTF2A1L readthrough; plus strand). Cytogenetic location: 2p16.3.
Variant type: single nucleotide variant.
Coding change: c.32T>C on transcript NM_000233.4 (MANE Select); coding-DNA position 32, T replaced by C.
Protein change: p.Leu11Pro; replaces leucine 11 with proline.
Molecular consequence: missense variant. On other transcripts: intron variant (1).
Genome position (GRCh38, 1-based): chr2:48,755,640, A>G on the plus strand (T>C on the coding strand, the complement: LHCGR is on the minus strand). VCF-style: chr2-48755640-A-G. GRCh37 (hg19) VCF-style: chr2-48982779-A-G.
Other names: c.3442-20640A>G (NM_001198593.2); short protein forms L11P.
Identifiers: ClinVar variation 2633438 (VCV002633438.1), dbSNP rs755654915, ClinGen allele CA1653500.
Genomic context (GRCh38, chr2:48,755,640, plus strand): 5'-GGGCAGAGCGCCTCGCGCAGCGCTCGTGGCAGCGGCGGCTGCAGCAGCAGCAGCAGCTTC[A>G]GCAGCTGCAGCGCCGAGAACCGCTGCTTCATGGCCGGCGAACTGGGCTTCTGCGGCTTGC-3'
Protein context (NP_000224.2, residues 1-21): MKQRFSALQL[Leu11Pro]KLLLLLQPPL